The following is an entry in ClinVar:

ClinVar aggregate classification (germline): Uncertain significance (1 of 4 stars; one submission).

Submission:

Labcorp Genetics (formerly Invitae), Labcorp
Classification: Uncertain significance. Last evaluated: 2022-08-01. Review status: criteria provided, single submitter. Criteria: Invitae Variant Classification Sherloc (09022015). Collection method: clinical testing. Allele origin: germline.
Comment: Algorithms developed to predict the effect of missense changes on protein structure and function (SIFT, PolyPhen-2, Align-GVGD) all suggest that this variant is likely to be tolerated. This sequence change replaces methionine, which is neutral and non-polar, with isoleucine, which is neutral and non-polar, at codon 5786 of the ADGRV1 protein (p.Met5786Ile). This variant is not present in population databases (gnomAD no frequency). This variant has not been reported in the literature in individuals affected with ADGRV1-related conditions. In summary, the available evidence is currently insufficient to determine the role of this variant in disease. Therefore, it has been classified as a Variant of Uncertain Significance.

NM_032119.4(ADGRV1):c.17358G>T (p.Met5786Ile)

Gene: ADGRV1 (adhesion G protein-coupled receptor V1; plus strand). Cytogenetic location: 5q14.3.
Variant type: single nucleotide variant.
Coding change: c.17358G>T on transcript NM_032119.4 (MANE Select); coding-DNA position 17358, G replaced by T.
Protein change: p.Met5786Ile; replaces methionine 5786 with isoleucine.
Molecular consequence: missense variant. On other transcripts: non-coding transcript variant (1).
Genome position (GRCh38, 1-based): chr5:90,853,437, G>T. VCF-style: chr5-90853437-G-T. GRCh37 (hg19) VCF-style: chr5-90149254-G-T.
Other names: short protein forms M5786I.
Identifiers: ClinVar variation 1714724 (VCV001714724.5), dbSNP rs1766723474, ClinGen allele CA360430183.
Genomic context (GRCh38, chr5:90,853,437, plus strand): 5'-GGAAGGAGATTACATTCGAATTCCAGAGAGGCTACTGGATGTCCAGGATGCAGAAATAAT[G>T]GCTGGGAAAAGTACATGTAAATTAGTCCAGTTTACAGAGTATAGCAGCCAACAGTGGTTT-3'
Protein context (NP_115495.3, residues 5776-5796): RLLDVQDAEI[Met5786Ile]AGKSTCKLVQ